The following is an entry in ClinVar:

NM_000038.6(APC):c.374A>G (p.Asn125Ser)

Gene: APC (APC regulator of Wnt signaling pathway; plus strand). Cytogenetic location: 5q22.2.
Variant type: single nucleotide variant.
Coding change: c.374A>G on transcript NM_000038.6 (MANE Select); coding-DNA position 374, A replaced by G.
Protein change: p.Asn125Ser; replaces asparagine 125 with serine.
Molecular consequence: missense variant. On other transcripts: 5 prime UTR variant (1).
Genome position (GRCh38, 1-based): chr5:112,767,342, A>G. VCF-style: chr5-112767342-A-G. GRCh37 (hg19) VCF-style: chr5-112103039-A-G.
Other names: c.374A>G, p.Asn125Ser (NM_001127510.3, NM_001354895.2, NM_001354896.2 and 2 more transcripts); c.404A>G, p.Asn135Ser (NM_001127511.3, NM_001354897.2, NM_001354902.2); c.299A>G, p.Asn100Ser (NM_001354898.2, NM_001354904.2); c.197A>G, p.Asn66Ser (NM_001354900.2, NM_001354901.2, NM_001354905.2); c.-662A>G (NM_001354906.2); short protein forms N100S, N125S, N135S, N66S.
Identifiers: ClinVar variation 1057452 (VCV001057452.10), dbSNP rs2149789449, ClinGen allele CA16022137.
Genomic context (GRCh38, chr5:112,767,342, plus strand): 5'-GCCGTTCTGGAGAGTGCAGTCCTGTTCCTATGGGTTCATTTCCAAGAAGAGGGTTTGTAA[A>G]TGGAAGCAGAGAAAGTACTGGATATTTAGAAGAACTTGAGAAAGAGAGGTAACTTTTCTT-3'
Protein context (NP_000029.2, residues 115-135): MGSFPRRGFV[Asn125Ser]GSRESTGYLE

ClinVar aggregate classification (germline): Uncertain significance (1 of 4 stars; one submission).

Conditions:
Familial adenomatous polyposis 1 (FAP1). Also called: FAMILIAL ADENOMATOUS POLYPOSIS 1, ATTENUATED; POLYPOSIS, ADENOMATOUS INTESTINAL. Identifiers: MedGen C2713442, MONDO:0021056, OMIM 175100. Disease mechanism: loss of function.

Submission:

Labcorp Genetics (formerly Invitae), Labcorp
Classification: Uncertain significance for Familial adenomatous polyposis 1. Last evaluated: 2025-07-14. Review status: criteria provided, single submitter. Criteria: Invitae Variant Classification Sherloc (09022015). Collection method: clinical testing. Allele origin: germline.
Comment: This sequence change replaces asparagine, which is neutral and polar, with serine, which is neutral and polar, at codon 125 of the APC protein (p.Asn125Ser). This variant is not present in population databases (gnomAD no frequency). This variant has not been reported in the literature in individuals affected with APC-related conditions. ClinVar contains an entry for this variant (Variation ID: 1057452). Invitae Evidence Modeling of protein sequence and biophysical properties (such as structural, functional, and spatial information, amino acid conservation, physicochemical variation, residue mobility, and thermodynamic stability) indicates that this missense variant is not expected to disrupt APC protein function with a negative predictive value of 95%. In summary, the available evidence is currently insufficient to determine the role of this variant in disease. Therefore, it has been classified as a Variant of Uncertain Significance.